The following is an entry in ClinVar:

NM_001851.6(COL9A1):c.1948C>T (p.Leu650Phe)

Gene: COL9A1 (collagen type IX alpha 1 chain; minus strand). Cytogenetic location: 6q13.
Variant type: single nucleotide variant.
Coding change: c.1948C>T on transcript NM_001851.6 (MANE Select); coding-DNA position 1948, C replaced by T.
Protein change: p.Leu650Phe; replaces leucine 650 with phenylalanine.
Molecular consequence: missense variant. On other transcripts: non-coding transcript variant (1).
Genome position (GRCh38, 1-based): chr6:70,242,014, G>A on the plus strand (C>T on the coding strand, the complement: COL9A1 is on the minus strand). VCF-style: chr6-70242014-G-A. GRCh37 (hg19) VCF-style: chr6-70951717-G-A.
Other names: c.1249C>T, p.Leu417Phe (NM_001377289.1); c.1219C>T, p.Leu407Phe (NM_001377290.1, NM_078485.4); short protein forms L407F, L417F, L650F.
Identifiers: ClinVar variation 1502141 (VCV001502141.8), dbSNP rs1269618884, ClinGen allele CA364675702.

ClinVar aggregate classification (germline): Uncertain significance (1 of 4 stars; one submission).

gnomAD v4.1: 3 of 1,598,752 alleles (0.00019%); highest among the groups gnomAD compares: African/African-American, 0.0013%; no homozygotes.

Submission:

Labcorp Genetics (formerly Invitae), Labcorp
Classification: Uncertain significance. Last evaluated: 2020-11-21. Review status: criteria provided, single submitter. Criteria: Invitae Variant Classification Sherloc (09022015). Collection method: clinical testing. Allele origin: germline.
Comment: In summary, the available evidence is currently insufficient to determine the role of this variant in disease. Therefore, it has been classified as a Variant of Uncertain Significance. Advanced modeling of protein sequence and biophysical properties (such as structural, functional, and spatial information, amino acid conservation, physicochemical variation, residue mobility, and thermodynamic stability) performed at Invitae indicates that this missense variant is not expected to disrupt COL9A1 protein function. This variant has not been reported in the literature in individuals with COL9A1-related conditions. This variant is not present in population databases (ExAC no frequency). This sequence change replaces leucine with phenylalanine at codon 650 of the COL9A1 protein (p.Leu650Phe). The leucine residue is highly conserved and there is a small physicochemical difference between leucine and phenylalanine.